The following is an entry in ClinVar:

NM_002336.3(LRP6):c.3204dup (p.Gly1069fs)

Gene: LRP6 (LDL receptor related protein 6; minus strand). Cytogenetic location: 12p13.2.
Variant type: Duplication.
Coding change: c.3204dup on transcript NM_002336.3 (MANE Select); coding-DNA position 3204, one base duplicated (A; older notation c.3204dupA).
Protein change: p.Gly1069fs; shifts the reading frame from glycine 1069.
Molecular consequence: frameshift variant.
Genome position (GRCh38, 1-based): chr12:12,148,944, T duplicated on the plus strand (A on the coding strand, the reverse complement: LRP6 is on the minus strand); the first of 3 consecutive T bases (chr12:12,148,944-12,148,946); duplicating any one gives the same sequence. VCF-style (leftmost placement, unchanged base first): chr12-12148943-C-CT. GRCh37 (hg19) VCF-style: chr12-12301877-C-CT.
Other names: short protein forms G1069fs.
Identifiers: ClinVar variation 1452446 (VCV001452446.6), dbSNP rs2136914556, ClinGen allele CA2573147810.

ClinVar aggregate classification (germline): Pathogenic (1 of 4 stars; one submission).

Submission:

Labcorp Genetics (formerly Invitae), Labcorp
Classification: Pathogenic. Last evaluated: 2021-11-27. Review status: criteria provided, single submitter. Criteria: Invitae Variant Classification Sherloc (09022015). Collection method: clinical testing. Allele origin: germline.
Comment: This sequence change creates a premature translational stop signal (p.Gly1069Argfs*14) in the LRP6 gene. It is expected to result in an absent or disrupted protein product. Loss-of-function variants in LRP6 are known to be pathogenic (PMID: 26387593). For these reasons, this variant has been classified as Pathogenic. This variant has not been reported in the literature in individuals affected with LRP6-related conditions. This variant is not present in population databases (gnomAD no frequency).

Literature cited by the submitters: PubMed 26387593.